The following is an entry in ClinVar:

NM_001127222.2(CACNA1A):c.6188A>G (p.Gln2063Arg)

Gene: CACNA1A (calcium voltage-gated channel subunit alpha1 A; minus strand). Cytogenetic location: 19p13.13.
Variant type: single nucleotide variant.
Coding change: c.6188A>G on transcript NM_001127222.2 (MANE Select); coding-DNA position 6188, A replaced by G.
Protein change: p.Gln2063Arg; replaces glutamine 2063 with arginine.
Molecular consequence: missense variant.
Genome position (GRCh38, 1-based): chr19:13,212,385, T>C on the plus strand (A>G on the coding strand, the complement: CACNA1A is on the minus strand). VCF-style: chr19-13212385-T-C. GRCh37 (hg19) VCF-style: chr19-13323199-T-C.
Other names: c.6206A>G, p.Gln2069Arg (NM_000068.4, NM_023035.3); c.6191A>G, p.Gln2064Arg (NM_001127221.2); c.6197A>G, p.Gln2066Arg (NM_001174080.2); short protein forms Q2064R, Q2066R, Q2063R, Q2069R.
Identifiers: ClinVar variation 2921349 (VCV002921349.3), dbSNP rs2512535463, ClinGen allele CA404332605.
Genomic context (GRCh38, chr19:13,212,385, plus strand): 5'-CCTTCCACCTGAACCACCCGGGCCCTGGGAGCCATTGGGGAGTTGGGGGACAGAGGCACC[T>C]GAGAGTTAGGCTGGCTGTTGGGCATGTCGGTAGGGGGGCCTTGTTCCGGACTCCATGTGC-3'
Protein context (NP_001120694.1, residues 2053-2073): TDMPNSQPNS[Gln2063Arg]SVEMREMGRD

ClinVar aggregate classification (germline): Uncertain significance (1 of 4 stars; one submission).

Conditions:
Developmental and epileptic encephalopathy, 42 (DEE42A). Also called: DEVELOPMENTAL AND EPILEPTIC ENCEPHALOPATHY 42A; EPILEPTIC ENCEPHALOPATHY, EARLY INFANTILE, 42A; Epileptic encephalopathy, early infantile, 42. Identifiers: MedGen C4310716, MONDO:0014917, OMIM 617106.
Episodic ataxia type 2 (EA2). Also called: ACETAZOLAMIDE-RESPONSIVE HEREDITARY PAROXYSMAL CEREBELLAR ATAXIA; ATAXIA, EPISODIC, WITH NYSTAGMUS; ATAXIA, FAMILIAL PAROXYSMAL; CEREBELLAR ATAXIA, PAROXYSMAL, ACETAZOLAMIDE-RESPONSIVE; CEREBELLOPATHY, HEREDITARY PAROXYSMAL; EPISODIC ATAXIA, NYSTAGMUS-ASSOCIATED. Identifiers: Orphanet 97, MedGen C1720416, MONDO:0007163, OMIM 108500.

Submission:

Labcorp Genetics (formerly Invitae), Labcorp
Classification: Uncertain significance for Developmental and epileptic encephalopathy, 42; Episodic ataxia type 2. Last evaluated: 2023-12-12. Review status: criteria provided, single submitter. Criteria: Invitae Variant Classification Sherloc (09022015). Collection method: clinical testing. Allele origin: germline.
Comment: This sequence change replaces glutamine, which is neutral and polar, with arginine, which is basic and polar, at codon 2064 of the CACNA1A protein (p.Gln2064Arg). This variant is not present in population databases (gnomAD no frequency). This variant has not been reported in the literature in individuals affected with CACNA1A-related conditions. An algorithm developed to predict the effect of missense changes on protein structure and function (PolyPhen-2) suggests that this variant is likely to be disruptive. Algorithms developed to predict the effect of sequence changes on RNA splicing suggest that this variant may disrupt the consensus splice site. In summary, the available evidence is currently insufficient to determine the role of this variant in disease. Therefore, it has been classified as a Variant of Uncertain Significance.